The following is an entry in ClinVar:

ClinVar aggregate classification (germline): Benign (1 of 4 stars; one submission).

Conditions:
Cystic fibrosis (CF). Also called: MUCOVISCIDOSIS. Identifiers: Orphanet 586, MedGen C0010674, MONDO:0009061, OMIM 219700. Disease mechanism: loss of function.

Allele frequency attached by ClinVar (database versions not stated): TOPMed 0.21337; gnomAD 0.23537 and 0.23179; 1000 Genomes Project 0.18710; 1000 Genomes Project 30x 0.18910.
gnomAD v4.1: 35,228 of 152,130 alleles (23%); highest among the groups gnomAD compares: African/African-American, 25%; 4,411 homozygotes.

Submission:

CFTR-France
Classification: Benign for cystic fibrosis. Last evaluated: 2018-01-29. Review status: criteria provided, single submitter. Criteria: Claustres M et al. (Hum Mutat 2017). Collection method: curation. Allele origin: germline. Affected: no.
Comment: the variant does not result in CFTR-RD neither

NM_000492.4(CFTR):c.3964-283T>C

Gene: CFTR (CF transmembrane conductance regulator; plus strand). Cytogenetic location: 7q31.2.
Variant type: single nucleotide variant.
Coding change: c.3964-283T>C on transcript NM_000492.4 (MANE Select); 283 bases into the intron before coding-DNA position 3964, T replaced by C.
Molecular consequence: intron variant.
Genome position (GRCh38, 1-based): chr7:117,664,405, T>C. VCF-style: chr7-117664405-T-C. GRCh37 (hg19) VCF-style: chr7-117304459-T-C.
Identifiers: ClinVar variation 818098 (VCV000818098.1), dbSNP rs10266116, ClinGen allele CA12546349.